The following is an entry in ClinVar:

ClinVar aggregate classification (germline): Uncertain significance. Review status: criteria provided, multiple submitters, no conflicts (2 of 4 stars). 3 submissions from 3 submitters: Uncertain significance (3). Last evaluated 2025-12-02.

Conditions:
Inborn genetic diseases. Identifiers: MedGen C0950123, MeSH D030342.
Congenital myotonia, autosomal recessive form. Also called: BECKER DISEASE; Becker Generalized Myotonia; myotonia congenita, autosomal recessive. Identifiers: Orphanet 614, MedGen C0751360, MONDO:0009715, OMIM 255700.
Congenital myotonia, autosomal dominant form (THD). Also called: THOMSEN DISEASE; Myotonia congenita autosomal dominant. Identifiers: Orphanet 614, MedGen C2936781, MONDO:0008055, OMIM 160800.

Allele frequency attached by ClinVar (database versions not stated): gnomAD 0.00001; gnomAD exomes 0.00001; TOPMed 0.00002.
gnomAD v4.1: 12 of 1,614,090 alleles (0.00074%); highest among the groups gnomAD compares: Non-Finnish European, 0.001%; no homozygotes.

Submissions (3):

Ambry Genetics
Classification: Uncertain significance for Inborn genetic diseases. Last evaluated: 2025-12-02. Review status: criteria provided, single submitter. Criteria: Ambry Variant Classification Scheme 2023. Collection method: clinical testing. Allele origin: germline.

Labcorp Genetics (formerly Invitae), Labcorp
Classification: Uncertain significance for Congenital myotonia, autosomal recessive form; Congenital myotonia, autosomal dominant form. Last evaluated: 2025-05-11. Review status: criteria provided, single submitter. Criteria: Invitae Variant Classification Sherloc (09022015). Collection method: clinical testing. Allele origin: germline.
Comment: This sequence change replaces threonine, which is neutral and polar, with serine, which is neutral and polar, at codon 166 of the CLCN1 protein (p.Thr166Ser). This variant is not present in population databases (gnomAD no frequency). This variant has not been reported in the literature in individuals affected with CLCN1-related conditions. ClinVar contains an entry for this variant (Variation ID: 1305539). An algorithm developed to predict the effect of missense changes on protein structure and function outputs the following: PolyPhen-2: "Benign". The serine amino acid residue is found in multiple mammalian species, which suggests that this missense change does not adversely affect protein function. In summary, the available evidence is currently insufficient to determine the role of this variant in disease. Therefore, it has been classified as a Variant of Uncertain Significance.

GeneDx
Classification: Uncertain significance. Last evaluated: 2025-02-03. Review status: criteria provided, single submitter. Criteria: GeneDx Variant Classification Process June 2021. Collection method: clinical testing. Allele origin: germline. Affected: yes.
Comment: Not observed at significant frequency in large population cohorts (gnomAD); In silico analysis indicates that this missense variant does not alter protein structure/function; Has not been previously published as pathogenic or benign to our knowledge

NM_000083.3(CLCN1):c.496A>T (p.Thr166Ser)

Gene: CLCN1 (chloride voltage-gated channel 1; plus strand). Cytogenetic location: 7q34.
Variant type: single nucleotide variant.
Coding change: c.496A>T on transcript NM_000083.3 (MANE Select); coding-DNA position 496, A replaced by T.
Protein change: p.Thr166Ser; replaces threonine 166 with serine.
Molecular consequence: missense variant. On other transcripts: non-coding transcript variant (1).
Genome position (GRCh38, 1-based): chr7:143,321,427, A>T. VCF-style: chr7-143321427-A-T. GRCh37 (hg19) VCF-style: chr7-143018520-A-T.
Other names: short protein forms T166S.
Identifiers: ClinVar variation 1305539 (VCV001305539.9), dbSNP rs1418010822, ClinGen allele CA369683678.
Genomic context (GRCh38, chr7:143,321,427, plus strand): 5'-TACAAGTGGTCCTACGCGCAGATGCAGCCCAGCCTTCCTCTGCAGTTCCTGGTCTGGGTC[A>T]CCTTCCCACTAGTCCTCATCCTCTTCAGCGCCCTCTTCTGCCACCTCATCTCTCCCCAGG-3'
Protein context (NP_000074.3, residues 156-176): SLPLQFLVWV[Thr166Ser]FPLVLILFSA